The following is an entry in ClinVar:

ClinVar aggregate classification (germline): Uncertain significance (1 of 4 stars; one submission).

Allele frequency attached by ClinVar (database versions not stated): TOPMed below 0.00001.

Submission:

Labcorp Genetics (formerly Invitae), Labcorp
Classification: Uncertain significance. Last evaluated: 2020-11-16. Review status: criteria provided, single submitter. Criteria: Invitae Variant Classification Sherloc (09022015). Collection method: clinical testing. Allele origin: germline.
Comment: This sequence change replaces glycine with serine at codon 333 of the C1S protein (p.Gly333Ser). The glycine residue is highly conserved and there is a small physicochemical difference between glycine and serine. This variant is not present in population databases (ExAC no frequency). This variant has not been reported in the literature in individuals with C1S-related conditions. Algorithms developed to predict the effect of missense changes on protein structure and function output the following: SIFT: "Tolerated"; PolyPhen-2: "Benign"; Align-GVGD: "Class C0". The serine amino acid residue is found in multiple mammalian species, suggesting that this missense change does not adversely affect protein function. These predictions have not been confirmed by published functional studies and their clinical significance is uncertain. In summary, the available evidence is currently insufficient to determine the role of this variant in disease. Therefore, it has been classified as a Variant of Uncertain Significance.

NM_001734.5(C1S):c.997G>A (p.Gly333Ser)

Gene: C1S (complement C1s; plus strand). Cytogenetic location: 12p13.31.
Variant type: single nucleotide variant.
Coding change: c.997G>A on transcript NM_001734.5 (MANE Select); coding-DNA position 997, G replaced by A.
Protein change: p.Gly333Ser; replaces glycine 333 with serine.
Molecular consequence: missense variant.
Genome position (GRCh38, 1-based): chr12:7,067,048, G>A. VCF-style: chr12-7067048-G-A. GRCh37 (hg19) VCF-style: chr12-7174352-G-A.
Other names: c.496G>A, p.Gly166Ser (NM_001346850.2); c.997G>A, p.Gly333Ser (NM_201442.4); short protein forms G166S, G333S.
Identifiers: ClinVar variation 1348228 (VCV001348228.8), dbSNP rs1555162383, ClinGen allele CA383699696.
Genomic context (GRCh38, chr12:7,067,048, plus strand): 5'-GTTTCCCATATCTCTCTTCAGAAATAAGTGGTGATGTTTATTATTCTCCAGGGACGTGTT[G>A]GTGCAACATCTTTCTATTCGACTTGTCAAAGCAATGGAAAGTGGAGTAATTCCAAACTGA-3'
Protein context (NP_001725.1, residues 323-343): DGFEVVEGRV[Gly333Ser]ATSFYSTCQS